The following is an entry in ClinVar:

ClinVar aggregate classification (germline): Pathogenic (1 of 4 stars; one submission).

Conditions:
Long QT syndrome (LQTS). Identifiers: MedGen C0023976, MeSH D008133, MONDO:0002442. Disease mechanism: loss of function. Inheritance: Various modes of inheritance.

Submission:

Labcorp Genetics (formerly Invitae), Labcorp
Classification: Pathogenic for Long QT syndrome. Last evaluated: 2023-12-19. Review status: criteria provided, single submitter. Criteria: Invitae Variant Classification Sherloc (09022015). Collection method: clinical testing. Allele origin: germline.
Comment: This sequence change creates a premature translational stop signal (p.Trp248*) in the KCNQ1 gene. It is expected to result in an absent or disrupted protein product. Loss-of-function variants in KCNQ1 are known to be pathogenic (PMID: 9323054, 19862833). This variant is not present in population databases (gnomAD no frequency). This variant has not been reported in the literature in individuals affected with KCNQ1-related conditions. ClinVar contains an entry for this variant (Variation ID: 855976). For these reasons, this variant has been classified as Pathogenic.

Literature cited by the submitters: PubMed 9323054; PubMed 19862833.

NM_000218.3(KCNQ1):c.743G>A (p.Trp248Ter)

Gene: KCNQ1 (potassium voltage-gated channel subfamily Q member 1; plus strand). Cytogenetic location: 11p15.5.
Variant type: single nucleotide variant.
Coding change: c.743G>A on transcript NM_000218.3 (MANE Select); coding-DNA position 743, G replaced by A.
Protein change: p.Trp248Ter; replaces tryptophan 248 with a stop codon.
Molecular consequence: nonsense.
Genome position (GRCh38, 1-based): chr11:2,572,072, G>A. VCF-style: chr11-2572072-G-A. GRCh37 (hg19) VCF-style: chr11-2593302-G-A.
Other names: c.743G>A, p.Trp248Ter (NM_001406836.1); c.473G>A, p.Trp158Ter (NM_001406837.1); c.362G>A, p.Trp121Ter (NM_181798.2); short protein forms W248*, W121*, W158*.
Identifiers: ClinVar variation 855976 (VCV000855976.9), dbSNP rs1848344878, ClinGen allele CA379131003.